The following is an entry in ClinVar:

NM_004168.4(SDHA):c.1971C>T (p.Val657=)

Gene: SDHA (succinate dehydrogenase complex flavoprotein subunit A; plus strand). Cytogenetic location: 5p15.33.
Variant type: single nucleotide variant.
Coding change: c.1971C>T on transcript NM_004168.4 (MANE Select); coding-DNA position 1971, C replaced by T.
Protein change: p.Val657=; no amino-acid change (valine 657 retained).
Molecular consequence: synonymous variant.
Genome position (GRCh38, 1-based): chr5:256,396, C>T. VCF-style: chr5-256396-C-T. GRCh37 (hg19) VCF-style: chr5-256511-C-T.
Other names: c.1827C>T, p.Val609= (NM_001294332.2); c.1728C>T, p.Val576= (NM_001330758.2).
Identifiers: ClinVar variation 417258 (VCV000417258.18), dbSNP rs746083858, ClinGen allele CA3173474.

ClinVar aggregate classification (germline): Benign/Likely benign. Review status: criteria provided, multiple submitters, no conflicts (2 of 4 stars). 5 submissions from 5 submitters: Benign (1); Likely benign (4). Last evaluated 2025-10-13.

Conditions:
Mitochondrial complex II deficiency, nuclear type 1. Also called: SUCCINATE CoQ REDUCTASE DEFICIENCY. Identifiers: Orphanet 3208, MedGen C5700310, MONDO:0100294, OMIM 252011.
Pheochromocytoma/paraganglioma syndrome 5. Also called: SDHA-Related Hereditary Paraganglioma-Pheochromocytoma Syndrome; Paragangliomas 5. Identifiers: Orphanet 29072, MedGen C3279992, MONDO:0013602, OMIM 614165.
Hereditary cancer-predisposing syndrome. Also called: Neoplastic Syndromes, Hereditary; Hereditary Cancer Syndrome; Tumor predisposition; Hereditary neoplastic syndrome. Identifiers: Orphanet 140162, MedGen C0027672, MeSH D009386, MONDO:0015356.

Allele frequency attached by ClinVar (database versions not stated): gnomAD 0.00001; TOPMed 0.00002; ExAC 0.00003; gnomAD exomes 0.00004.
gnomAD v4.1: 12 of 1,613,674 alleles (0.00074%); highest among the groups gnomAD compares: Admixed American, 0.018%; no homozygotes.

Submissions (5):

Labcorp Genetics (formerly Invitae), Labcorp
Classification: Likely benign for Pheochromocytoma/paraganglioma syndrome 5; Mitochondrial complex II deficiency, nuclear type 1. Last evaluated: 2025-10-13. Review status: criteria provided, single submitter. Criteria: Invitae Variant Classification Sherloc (09022015). Collection method: clinical testing. Allele origin: germline.

Myriad Genetics, Inc.
Classification: Benign for Pheochromocytoma/paraganglioma syndrome 5. Last evaluated: 2025-03-11. Review status: criteria provided, single submitter. Criteria: Myriad Autosomal Dominant, Autosomal Recessive and X-Linked Classification Criteria (2023). Collection method: clinical testing. Allele origin: unknown.
Comment: This variant is considered benign. This variant is a silent/synonymous amino acid change and it is not expected to impact splicing.

Sema4
Classification: Likely benign for Hereditary cancer-predisposing syndrome. Last evaluated: 2021-08-10. Review status: criteria provided, single submitter. Criteria: Sema4 Curation Guidelines. Collection method: curation. Allele origin: germline.

GeneDx
Classification: Likely benign. Last evaluated: 2017-10-04. Review status: criteria provided, single submitter. Criteria: GeneDx Variant Classification (06012015). Collection method: clinical testing. Allele origin: germline. Affected: yes.
Comment: This variant is considered likely benign or benign based on one or more of the following criteria: it is a conservative change, it occurs at a poorly conserved position in the protein, it is predicted to be benign by multiple in silico algorithms, and/or has population frequency not consistent with disease.

Ambry Genetics
Classification: Likely benign for Hereditary cancer-predisposing syndrome. Last evaluated: 2016-02-26. Review status: criteria provided, single submitter. Criteria: Ambry Variant Classification Scheme 2023. Collection method: clinical testing. Allele origin: germline.